The following is an entry in ClinVar:

ClinVar aggregate classification (germline): Benign. Review status: criteria provided, multiple submitters, no conflicts (2 of 4 stars). 5 submissions from 3 submitters: Benign (5). Last evaluated 2021-05-11.

Conditions:
Pyruvate dehydrogenase E3 deficiency (DLDD). Also called: Lipoamide dehydrogenase deficiency, lactic acidosis due to; Lipoamide dehydrogenase deficiency; Dihydrolipoamide Dehydrogenase (E3) Deficiency; MAPLE SYRUP URINE DISEASE, TYPE III; DLD DEFICIENCY; E3 DEFICIENCY. Identifiers: Orphanet 2394, Orphanet 765, MedGen C5574660, MONDO:0009529, OMIM 246900.
Pyruvate dehydrogenase complex deficiency (PDHC). Also called: Pyruvate dehydrogenase deficiency; Ataxia with lactic acidosis 1; PYRUVATE DECARBOXYLASE DEFICIENCY; PDH DEFICIENCY; Pyruvate Dehydrogenase Complex Deficiency Disease. Identifiers: Orphanet 765, Orphanet 79243, MedGen C0034345, MONDO:0019169.
Leigh syndrome (NULS). Also called: Subacute necrotizing encephalopathy; Necrotizing encephalopathy infantile subacute of Leigh; Leigh's syndrome; Leigh Disease; Leigh's necrotizing encephalopathy; Leigh's disease. Identifiers: Orphanet 506, MedGen C2931891, MONDO:0009723, OMIM 256000.

Allele frequency attached by ClinVar (database versions not stated): 1000 Genomes Project 30x 0.26608; 1000 Genomes Project 0.27216; TOPMed 0.30141; gnomAD 0.31157 and 0.31256; gnomAD exomes 0.38194.
gnomAD v4.1: 47,748 of 152,124 alleles (31%); highest among the groups gnomAD compares: Non-Finnish European, 41%; 8,875 homozygotes.

Submissions (5):

GeneDx
Classification: Benign. Last evaluated: 2021-05-11. Review status: criteria provided, single submitter. Criteria: GeneDx Variant Classification Process June 2021. Collection method: clinical testing. Allele origin: germline. Affected: yes.

Illumina Laboratory Services, Illumina
Classification: Benign for Pyruvate dehydrogenase complex deficiency. Last evaluated: 2018-01-12. Review status: criteria provided, single submitter. Criteria: ICSL Variant Classification Criteria 13 December 2019. Collection method: clinical testing. Allele origin: germline.
Comment: This variant was observed in the ICSL laboratory as part of a predisposition screen in an ostensibly healthy population. It had not been previously curated by ICSL or reported in the Human Gene Mutation Database (HGMD: prior to June 1st, 2018), and was therefore a candidate for classification through an automated scoring system. Utilizing variant allele frequency, disease prevalence and penetrance estimates, and inheritance mode, an automated score was calculated to assess if this variant is too frequent to cause the disease. Based on the score and internal cut-off values, a variant classified as benign is not then subjected to further curation. The score for this variant resulted in a classification of benign for this disease.

Illumina Laboratory Services, Illumina
Classification: Benign for Pyruvate dehydrogenase E3 deficiency. Last evaluated: 2018-01-12. Review status: criteria provided, single submitter. Criteria: ICSL Variant Classification Criteria 13 December 2019. Collection method: clinical testing. Allele origin: germline.
Comment: the same text as in the submission from Illumina Laboratory Services, Illumina above.

Illumina Laboratory Services, Illumina
Classification: Benign for Leigh syndrome. Last evaluated: 2018-01-12. Review status: criteria provided, single submitter. Criteria: ICSL Variant Classification Criteria 13 December 2019. Collection method: clinical testing. Allele origin: germline.
Comment: the same text as in the submission from Illumina Laboratory Services, Illumina above.

Breakthrough Genomics
Classification: Benign. Review status: criteria provided, single submitter. Criteria: ACMG Guidelines, 2015. Collection method: not provided. Allele origin: germline. Inheritance: Autosomal recessive inheritance. Affected: yes.

NM_000108.5(DLD):c.*1688G>A

Gene: DLD (dihydrolipoamide dehydrogenase; plus strand). Cytogenetic location: 7q31.1.
Variant type: single nucleotide variant.
Coding change: c.*1688G>A on transcript NM_000108.5 (MANE Select); 1688 bases downstream of the stop codon, G replaced by A.
Molecular consequence: 3 prime UTR variant.
Genome position (GRCh38, 1-based): chr7:107,920,947, G>A. VCF-style: chr7-107920947-G-A. GRCh37 (hg19) VCF-style: chr7-107561392-G-A.
Other names: c.*1688G>A (NM_001289750.1, NM_001289751.1, NM_001289752.1).
Identifiers: ClinVar variation 358589 (VCV000358589.8), dbSNP rs8440, ClinGen allele CA10622983.